The following is an entry in ClinVar:

NM_032242.4(PLXNA1):c.2823G>A (p.Val941=)

Gene: PLXNA1 (plexin A1; plus strand). Cytogenetic location: 3q21.3.
Variant type: single nucleotide variant.
Coding change: c.2823G>A on transcript NM_032242.4 (MANE Select); coding-DNA position 2823, G replaced by A.
Protein change: p.Val941=; no amino-acid change (valine 941 retained).
Molecular consequence: synonymous variant.
Genome position (GRCh38, 1-based): chr3:127,014,777, G>A. VCF-style: chr3-127014777-G-A. GRCh37 (hg19) VCF-style: chr3-126733620-G-A.
Identifiers: ClinVar variation 3352298 (VCV003352298.1).

ClinVar aggregate classification (germline): Likely benign (0 of 4 stars; one submission).

Conditions:
PLXNA1-related disorder. Also called: PLXNA1-related condition.

gnomAD v4.1: 8 of 1,612,826 alleles (0.0005%); highest among the groups gnomAD compares: Admixed American, 0.012%; no homozygotes.

Submission:

PreventionGenetics, part of Exact Sciences
Classification: Likely benign for PLXNA1-related condition. Last evaluated: 2024-04-09. Review status: no assertion criteria provided. Collection method: clinical testing. Allele origin: germline.
Comment: This variant is classified as likely benign based on ACMG/AMP sequence variant interpretation guidelines (Richards et al. 2015 PMID: 25741868, with internal and published modifications).